The following is an entry in ClinVar:

ClinVar aggregate classification (germline): Uncertain significance. Review status: criteria provided, multiple submitters, no conflicts (2 of 4 stars). 3 submissions from 3 submitters: Uncertain significance (3). Last evaluated 2025-12-29.

Conditions:
Hereditary cancer-predisposing syndrome. Also called: Hereditary Cancer Syndrome; Neoplastic Syndromes, Hereditary; Tumor predisposition; Hereditary neoplastic syndrome. Identifiers: Orphanet 140162, MedGen C0027672, MeSH D009386, MONDO:0015356.
Fanconi anemia complementation group J. Also called: BRIP1-Related Fanconi Anemia. Identifiers: Orphanet 84, MedGen C1836860, MONDO:0012187, OMIM 609054.
Familial cancer of breast. Also called: Hereditary breast cancer; hereditary breast carcinoma; BREAST CANCER, FAMILIAL. Identifiers: Orphanet 227535, MedGen C0346153, MONDO:0016419, OMIM 114480. Disease mechanism: loss of function.

Allele frequency attached by ClinVar (database versions not stated): gnomAD exomes below 0.00001.
gnomAD v4.1: 1 of 1,613,626 alleles (0.000062%); highest among the groups gnomAD compares: Non-Finnish European, 0.000085%; no homozygotes.

Submissions (3):

Center for Genomic Medicine, Rigshospitalet, Copenhagen University Hospital
Classification: Uncertain significance. Last evaluated: 2025-12-29. Review status: criteria provided, single submitter. Criteria: ACMG Guidelines, 2015. Collection method: clinical testing. Allele origin: germline.

Labcorp Genetics (formerly Invitae), Labcorp
Classification: Uncertain significance for Familial cancer of breast; Fanconi anemia complementation group J. Last evaluated: 2025-03-23. Review status: criteria provided, single submitter. Criteria: Invitae Variant Classification Sherloc (09022015). Collection method: clinical testing. Allele origin: germline.
Comment: This sequence change replaces valine, which is neutral and non-polar, with phenylalanine, which is neutral and non-polar, at codon 187 of the BRIP1 protein (p.Val187Phe). This variant is not present in population databases (gnomAD no frequency). This variant has not been reported in the literature in individuals affected with BRIP1-related conditions. ClinVar contains an entry for this variant (Variation ID: 231272). Invitae Evidence Modeling of protein sequence and biophysical properties (such as structural, functional, and spatial information, amino acid conservation, physicochemical variation, residue mobility, and thermodynamic stability) indicates that this missense variant is not expected to disrupt BRIP1 protein function with a negative predictive value of 95%. In summary, the available evidence is currently insufficient to determine the role of this variant in disease. Therefore, it has been classified as a Variant of Uncertain Significance.

Ambry Genetics
Classification: Uncertain significance for Hereditary cancer-predisposing syndrome. Last evaluated: 2024-02-29. Review status: criteria provided, single submitter. Criteria: Ambry Variant Classification Scheme 2023. Collection method: clinical testing. Allele origin: germline.
Comment: The p.V187F variant (also known as c.559G>T), located in coding exon 5 of the BRIP1 gene, results from a G to T substitution at nucleotide position 559. The valine at codon 187 is replaced by phenylalanine, an amino acid with highly similar properties. This amino acid position is not well conserved in available vertebrate species. In addition, this alteration is predicted to be tolerated by in silico analysis. Since supporting evidence is limited at this time, the clinical significance of this alteration remains unclear.

NM_032043.3(BRIP1):c.559G>T (p.Val187Phe)

Gene: BRIP1 (BRCA1 interacting DNA helicase 1; minus strand). Cytogenetic location: 17q23.2.
Variant type: single nucleotide variant.
Coding change: c.559G>T on transcript NM_032043.3 (MANE Select); coding-DNA position 559, G replaced by T.
Protein change: p.Val187Phe; replaces valine 187 with phenylalanine.
Molecular consequence: missense variant.
Genome position (GRCh38, 1-based): chr17:61,847,169, C>A on the plus strand (G>T on the coding strand, the complement: BRIP1 is on the minus strand). VCF-style: chr17-61847169-C-A. GRCh37 (hg19) VCF-style: chr17-59924530-C-A.
Other names: short protein forms V187F.
Identifiers: ClinVar variation 231272 (VCV000231272.11), dbSNP rs876659064, ClinGen allele CA10580870.
Genomic context (GRCh38, chr17:61,847,169, plus strand): 5'-GCGAAAAGGAGTTTATCTTTTCCAGTGGAGAGTTGAGTTTTACAGTCTTTCCTGAATCAA[C>A]TTTTGCATCCAAATTGTGTACTTCTGTTCCAAAGCAATGACGTTTTCTAATCTGTAAACA-3'
Protein context (NP_114432.2, residues 177-197): GTEVHNLDAK[Val187Phe]DSGKTVKLNS